The following is an entry in ClinVar:

ClinVar aggregate classification (germline): Uncertain significance (1 of 4 stars; one submission).

Submission:

GeneDx
Classification: Uncertain significance. Last evaluated: 2025-07-21. Review status: criteria provided, single submitter. Criteria: GeneDx Variant Classification Process June 2021. Collection method: clinical testing. Allele origin: germline. Affected: yes.
Comment: Not observed at significant frequency in large population cohorts (gnomAD); In silico analysis supports that this missense variant has a deleterious effect on protein structure/function; Has not been previously published as pathogenic or benign to our knowledge

NM_000257.4(MYH7):c.5276T>A (p.Ile1759Asn)

Genes: MYH7 (myosin heavy chain 7; minus strand), LOC126861897 (BRD4-independent group 4 enhancer GRCh37_chr14:23884455-23885654; plus strand). Cytogenetic location: 14q11.2.
Variant type: single nucleotide variant.
Coding change: c.5276T>A on transcript NM_000257.4 (MANE Select); coding-DNA position 5276, T replaced by A.
Protein change: p.Ile1759Asn; replaces isoleucine 1759 with asparagine.
Molecular consequence: missense variant.
Genome position (GRCh38, 1-based): chr14:23,415,388, A>T on the plus strand (T>A on the coding strand, the complement: MYH7 is on the minus strand). VCF-style: chr14-23415388-A-T. GRCh37 (hg19) VCF-style: chr14-23884597-A-T.
Other names: c.5276T>A, p.Ile1759Asn (NM_001407004.1); short protein forms I1759N.
Identifiers: ClinVar variation 4686955 (VCV004686955.1).
Genomic context (GRCh38, chr14:23,415,388, plus strand): 5'-CAGCCCACGGAGAGACACTGGTCTGGATCGGGTCGGTGGAGTGGGGGACTTACATCCGTG[A>T]TGGCCTTCTTGGCCTTCTCCTCAGCATTCCTGCACTCCTGCACTGCCTCCTCCACTTCAG-3'
Protein context (NP_000248.2, residues 1749-1769): RNAEEKAKKA[Ile1759Asn]TDAAMMAEEL